The following is an entry in ClinVar:

NM_000416.3(IFNGR1):c.85+5C>T

Gene: IFNGR1 (interferon gamma receptor 1; minus strand). Cytogenetic location: 6q23.3.
Variant type: single nucleotide variant.
Coding change: c.85+5C>T on transcript NM_000416.3 (MANE Select); 5 bases into the intron after coding-DNA position 85, C replaced by T.
Molecular consequence: intron variant.
Genome position (GRCh38, 1-based): chr6:137,219,238, G>A on the plus strand (C>T on the coding strand, the complement: IFNGR1 is on the minus strand). VCF-style: chr6-137219238-G-A. GRCh37 (hg19) VCF-style: chr6-137540375-G-A.
Identifiers: ClinVar variation 855809 (VCV000855809.14), dbSNP rs371150014, ClinGen allele CA4019091.

ClinVar aggregate classification (germline): Conflicting classifications of pathogenicity. Review status: criteria provided, conflicting classifications (1 of 4 stars). 3 submissions from 3 submitters: Uncertain significance (1); Likely benign (1). 1 of the submissions does not count toward it. Last evaluated 2025-08-03.

Conditions:
IFNGR1-related disorder. Also called: IFNGR1-related condition.
Disseminated atypical mycobacterial infection. Identifiers: MedGen C0694566.

Allele frequency attached by ClinVar (database versions not stated): TOPMed 0.00009; ExAC 0.00018; 1000 Genomes Project 0.00020; 1000 Genomes Project 30x 0.00031.
gnomAD v4.1: 44 of 1,607,828 alleles (0.0027%); highest among the groups gnomAD compares: East Asian, 0.076%; no homozygotes.

Submissions (3):

Labcorp Genetics (formerly Invitae), Labcorp
Classification: Uncertain significance for Disseminated atypical mycobacterial infection. Last evaluated: 2025-08-03. Review status: criteria provided, single submitter. Criteria: Invitae Variant Classification Sherloc (09022015). Collection method: clinical testing. Allele origin: germline.
Comment: This sequence change falls in intron 1 of the IFNGR1 gene. It does not directly change the encoded amino acid sequence of the IFNGR1 protein. It affects a nucleotide within the consensus splice site. This variant is present in population databases (rs371150014, gnomAD 0.2%). This variant has not been reported in the literature in individuals affected with IFNGR1-related conditions. ClinVar contains an entry for this variant (Variation ID: 855809). Variants that disrupt the consensus splice site are a relatively common cause of aberrant splicing (PMID: 17576681, 9536098). Algorithms developed to predict the effect of sequence changes on RNA splicing suggest that this variant is not likely to affect RNA splicing. In summary, the available evidence is currently insufficient to determine the role of this variant in disease. Therefore, it has been classified as a Variant of Uncertain Significance.

Blueprint Genetics
Classification: Likely benign. Last evaluated: 2024-06-13. Review status: criteria provided, single submitter. Criteria: ACMG Guidelines, 2015. Collection method: clinical testing. Allele origin: germline.

PreventionGenetics, part of Exact Sciences
Classification: Likely benign for IFNGR1-related condition. Last evaluated: 2019-08-08. Review status: no assertion criteria provided. Collection method: clinical testing. Allele origin: germline. Not counted in ClinVar's aggregate classification.
Comment: This variant is classified as likely benign based on ACMG/AMP sequence variant interpretation guidelines (Richards et al. 2015 PMID: 25741868, with internal and published modifications).

Literature cited by the submitters: PubMed 17576681 (cited by Labcorp Genetics (formerly Invitae), Labcorp); PubMed 9536098 (cited by Labcorp Genetics (formerly Invitae), Labcorp).